The following is an entry in ClinVar:

NM_000246.4(CIITA):c.1028G>T (p.Arg343Leu)

Gene: CIITA (class II major histocompatibility complex transactivator; plus strand). Cytogenetic location: 16p13.13.
Variant type: single nucleotide variant.
Coding change: c.1028G>T on transcript NM_000246.4 (MANE Select); coding-DNA position 1028, G replaced by T.
Protein change: p.Arg343Leu; replaces arginine 343 with leucine.
Molecular consequence: missense variant. On other transcripts: intron variant (1).
Genome position (GRCh38, 1-based): chr16:10,906,520, G>T. VCF-style: chr16-10906520-G-T. GRCh37 (hg19) VCF-style: chr16-11000377-G-T.
Other names: c.859+1708G>T (NM_001286403.2); c.1031G>T, p.Arg344Leu (NM_001286402.1, NM_001379332.1); c.884G>T, p.Arg295Leu (NM_001379330.1); c.881G>T, p.Arg294Leu (NM_001379331.1); c.1028G>T, p.Arg343Leu (NM_001379333.1); c.959G>T, p.Arg320Leu (NM_001379334.1); short protein forms R343L, R344L, R294L, R295L, R320L.
Identifiers: ClinVar variation 658334 (VCV000658334.9), dbSNP rs765940448, ClinGen allele CA7900032.

ClinVar aggregate classification (germline): Uncertain significance. Review status: criteria provided, single submitter (1 of 4 stars). 2 submissions from 2 submitters: Uncertain significance (1). 1 of the submissions does not count toward it. Last evaluated 2024-04-16.

Conditions:
MHC class II deficiency. Also called: Bare lymphocyte syndrome 2; BLS, TYPE II. Identifiers: Orphanet 572, MedGen C5447452, MONDO:0008855.

Allele frequency attached by ClinVar (database versions not stated): TOPMed 0.00001.
gnomAD v4.1: 17 of 1,611,896 alleles (0.0011%); highest among the groups gnomAD compares: East Asian, 0.011%; no homozygotes.

Submissions (2):

Labcorp Genetics (formerly Invitae), Labcorp
Classification: Uncertain significance for MHC class II deficiency. Last evaluated: 2024-04-16. Review status: criteria provided, single submitter. Criteria: Invitae Variant Classification Sherloc (09022015). Collection method: clinical testing. Allele origin: germline.
Comment: This sequence change replaces arginine, which is basic and polar, with leucine, which is neutral and non-polar, at codon 343 of the CIITA protein (p.Arg343Leu). This variant is present in population databases (rs765940448, gnomAD 0.01%). This variant has not been reported in the literature in individuals affected with CIITA-related conditions. ClinVar contains an entry for this variant (Variation ID: 658334). An algorithm developed to predict the effect of missense changes on protein structure and function (PolyPhen-2) suggests that this variant is likely to be tolerated. Algorithms developed to predict the effect of sequence changes on RNA splicing suggest that this variant may create or strengthen a splice site. In summary, the available evidence is currently insufficient to determine the role of this variant in disease. Therefore, it has been classified as a Variant of Uncertain Significance.

Natera, Inc.
Classification: Uncertain significance for Bare lymphocyte syndrome type II. Last evaluated: 2021-05-25. Review status: no assertion criteria provided. Collection method: clinical testing. Allele origin: germline. Not counted in ClinVar's aggregate classification.